The following is an entry in ClinVar:

ClinVar aggregate classification (germline): Uncertain significance (1 of 4 stars; one submission).

Conditions:
Renal carnitine transport defect (CDSP). Also called: Carnitine transporter deficiency; Carnitine Deficiency, Systemic; Primary carnitine deficiency; CARNITINE DEFICIENCY, SYSTEMIC, DUE TO DEFECT IN RENAL REABSORPTION OF CARNITINE; CARNITINE TRANSPORTER, PLASMA-MEMBRANE, DEFICIENCY OF; CARNITINE UPTAKE DEFECT. Identifiers: Orphanet 158, MedGen C0342788, MONDO:0008919, OMIM 212140.

Submission:

Labcorp Genetics (formerly Invitae), Labcorp
Classification: Uncertain significance for Renal carnitine transport defect. Last evaluated: 2025-09-02. Review status: criteria provided, single submitter. Criteria: Invitae Variant Classification Sherloc (09022015). Collection method: clinical testing. Allele origin: germline.
Comment: This sequence change creates a premature translational stop signal (p.Gln546*) in the SLC22A5 gene. While this is not anticipated to result in nonsense mediated decay, it is expected to disrupt the last 12 amino acid(s) of the SLC22A5 protein. This variant is not present in population databases (gnomAD no frequency). This variant has not been reported in the literature in individuals affected with SLC22A5-related conditions. ClinVar contains an entry for this variant (Variation ID: 1021279). Experimental studies and prediction algorithms are not available or were not evaluated, and the functional significance of this variant is currently unknown. In summary, the available evidence is currently insufficient to determine the role of this variant in disease. Therefore, it has been classified as a Variant of Uncertain Significance.

NM_003060.4(SLC22A5):c.1636C>T (p.Gln546Ter)

Gene: SLC22A5 (solute carrier family 22 member 5; plus strand). Cytogenetic location: 5q31.1.
Variant type: single nucleotide variant.
Coding change: c.1636C>T on transcript NM_003060.4 (MANE Select); coding-DNA position 1636, C replaced by T.
Protein change: p.Gln546Ter; replaces glutamine 546 with a stop codon.
Molecular consequence: nonsense.
Genome position (GRCh38, 1-based): chr5:132,394,234, C>T. VCF-style: chr5-132394234-C-T. GRCh37 (hg19) VCF-style: chr5-131729926-C-T.
Other names: c.1708C>T, p.Gln570Ter (NM_001308122.2); short protein forms Q546*, Q570*.
Identifiers: ClinVar variation 1021279 (VCV001021279.5), dbSNP rs1752804300, ClinGen allele CA360810300.